The following is an entry in ClinVar:

ClinVar aggregate classification (germline): Likely benign (1 of 4 stars; one submission).

Allele frequency attached by ClinVar (database versions not stated): TOPMed 0.00001; gnomAD exomes 0.00003.
gnomAD v4.1: 39 of 1,614,012 alleles (0.0024%); highest among the groups gnomAD compares: Non-Finnish European, 0.0031%; no homozygotes.

Submission:

CeGaT Center for Human Genetics Tuebingen
Classification: Likely benign. Last evaluated: 2024-01-01. Review status: criteria provided, single submitter. Criteria: CeGaT Center For Human Genetics Tuebingen Variant Classification Criteria Version 2. Collection method: clinical testing. Allele origin: germline. Affected: yes. Observed: 1 variant allele.
Comment: ANK3: BP4, BP7

NM_020987.5(ANK3):c.273T>C (p.Ser91=)

Gene: ANK3 (ankyrin 3; minus strand). Cytogenetic location: 10q21.2.
Variant type: single nucleotide variant.
Coding change: c.273T>C on transcript NM_020987.5 (MANE Select); coding-DNA position 273, T replaced by C.
Protein change: p.Ser91=; no amino-acid change (serine 91 retained).
Molecular consequence: synonymous variant.
Genome position (GRCh38, 1-based): chr10:60,279,092, A>G on the plus strand (T>C on the coding strand, the complement: ANK3 is on the minus strand). VCF-style: chr10-60279092-A-G. GRCh37 (hg19) VCF-style: chr10-62038850-A-G.
Other names: c.255T>C, p.Ser85= (NM_001204403.2); c.222T>C, p.Ser74= (NM_001204404.2); c.273T>C, p.Ser91= (NM_001320874.2).
Identifiers: ClinVar variation 3026420 (VCV003026420.22), dbSNP rs772746454, ClinGen allele CA208209128.
Genomic context (GRCh38, chr10:60,279,092, plus strand): 5'-TAAATATGTGATACTGACCTTTGTAGCTGCATCCACATTGGCTTCTCTCTGCAGCAGCTC[A>G]GAAACAACCTCTACATGGCCTTCTTTGGAAGCAAGGTGGAGAGCGTTCAACCCATTCTGA-3'
Protein context (NP_066267.2, residues 81-101): ASKEGHVEVV[Ser91=]ELLQREANVD